The following is an entry in ClinVar:

NM_001164508.2(NEB):c.18795_18796del (p.Ser6265fs)

Gene: NEB (nebulin; minus strand). Cytogenetic location: 2q23.3.
Variant type: Deletion.
Coding change: c.18795_18796del on transcript NM_001164508.2 (MANE Select); coding-DNA positions 18795 to 18796, 2 bases deleted (TG; older notation c.18795_18796delTG).
Protein change: p.Ser6265fs; shifts the reading frame from serine 6265.
Molecular consequence: frameshift variant.
Genome position (GRCh38, 1-based): chr2:151,562,706-151,562,707, CA deleted on the plus strand (TG on the coding strand, the reverse complement: NEB is on the minus strand); deleting any 2 consecutive bases within chr2:151,562,706-151,562,708 gives the same sequence; the c. name uses the placement nearest the transcript's 3' end. VCF-style (leftmost placement, unchanged base first): chr2-151562705-TCA-T. GRCh37 (hg19) VCF-style: chr2-152419219-TCA-T.
Other names: c.18795_18796del, p.Ser6265fs (NM_001164507.2, NM_001271208.2); c.13692_13693del, p.Ser4564fs (NM_004543.5); short protein forms S4564fs, S6265fs.
Identifiers: ClinVar variation 1725184 (VCV001725184.2), dbSNP rs2552190521, ClinGen allele CA2580063944.
Genomic context (GRCh38, chr2:151,562,705, plus strand): 5'-ATAACATTGGGTTCTTCCAGAAGAGACGTCCACTGGTGGAAATAGTGTCGATACTCCAGG[TCA>T]CTGAGGATGTACTGGCACCTTTTAGCCAGCACGTGATTCATCATGTCATTGGGGATATGA-3'

ClinVar aggregate classification (germline): Likely pathogenic (1 of 4 stars; one submission).

Conditions:
Nemaline myopathy 2 (NEM2). Also called: Nemaline myopathy 2, autosomal recessive. Identifiers: MedGen C1850569, MONDO:0009725, OMIM 256030.

Submission:

Myriad Genetics, Inc.
Classification: Likely pathogenic for Nemaline myopathy 2. Last evaluated: 2022-03-14. Review status: criteria provided, single submitter. Criteria: Myriad Women's Health Autosomal Recessive and X-Linked Classification Criteria (2021). Collection method: clinical testing. Allele origin: unknown.
Comment: NM_001271208.1(NEB):c.18795_18796delTG(S6265Rfs*32) is expected to be pathogenic in the context of NEB-related nemaline myopathy. This variant is predicted to lead to an abnormal or absent protein product due to the creation of a premature termination codon in NEB, a gene where loss-of-function variants are known to be pathogenic. Please note: this variant was assessed in the context of healthy population screening.